The following is an entry in ClinVar:

NM_206933.4(USH2A):c.4759-2A>G

Gene: USH2A (usherin; minus strand). Cytogenetic location: 1q41.
Variant type: single nucleotide variant.
Coding change: c.4759-2A>G on transcript NM_206933.4 (MANE Select); the canonical splice acceptor site of the intron before coding-DNA position 4759, A replaced by G.
Molecular consequence: splice acceptor variant.
Genome position (GRCh38, 1-based): chr1:216,089,141, T>C on the plus strand (A>G on the coding strand, the complement: USH2A is on the minus strand). VCF-style: chr1-216089141-T-C. GRCh37 (hg19) VCF-style: chr1-216262483-T-C.
Identifiers: ClinVar variation 1403400 (VCV001403400.6), dbSNP rs2102565390, ClinGen allele CA344860863.

ClinVar aggregate classification (germline): Pathogenic (1 of 4 stars; one submission).

Submission:

Labcorp Genetics (formerly Invitae), Labcorp
Classification: Pathogenic. Last evaluated: 2024-05-22. Review status: criteria provided, single submitter. Criteria: Invitae Variant Classification Sherloc (09022015). Collection method: clinical testing. Allele origin: germline.
Comment: This sequence change affects an acceptor splice site in intron 22 of the USH2A gene. It is expected to disrupt RNA splicing. Variants that disrupt the donor or acceptor splice site typically lead to a loss of protein function (PMID: 16199547), and loss-of-function variants in USH2A are known to be pathogenic (PMID: 10729113, 10909849, 20507924, 25649381). This variant is not present in population databases (gnomAD no frequency). Disruption of this splice site has been observed in individual(s) with clinical features of Usher syndrome (Invitae). In at least one individual the data is consistent with being in trans (on the opposite chromosome) from a pathogenic variant. ClinVar contains an entry for this variant (Variation ID: 1403400). Algorithms developed to predict the effect of sequence changes on RNA splicing suggest that this variant may disrupt the consensus splice site. For these reasons, this variant has been classified as Pathogenic.

Literature cited by the submitters: PubMed 16199547; PubMed 10729113; PubMed 10909849; PubMed 20507924; PubMed 25649381.